The following is an entry in ClinVar:

ClinVar aggregate classification (germline): Conflicting classifications of pathogenicity. Review status: criteria provided, conflicting classifications (1 of 4 stars). 5 submissions from 5 submitters: Uncertain significance (3); Likely benign (2). Last evaluated 2026-04-07.

Conditions:
Hereditary breast ovarian cancer syndrome. Also called: Breast and ovarian cancer; Hereditary breast and ovarian cancer syndrome; Hereditary breast and ovarian cancer syndrome (HBOC); Hereditary breast and/or ovarian cancer syndrome; BRCA1- and BRCA2-Associated Hereditary Breast and Ovarian Cancer; Hereditary breast and ovarian cancer. Identifiers: Orphanet 145, MedGen C0677776, MeSH D061325, MONDO:0003582. Disease mechanism: loss of function.
Breast-ovarian cancer, familial, susceptibility to, 2 (BROVCA2). Also called: BRCA2 Hereditary Breast and Ovarian Cancer. Identifiers: Orphanet 145, MedGen C2675520, MONDO:0012933, OMIM 612555. Disease mechanism: loss of function.
Hereditary cancer-predisposing syndrome. Also called: Hereditary neoplastic syndrome; Neoplastic Syndromes, Hereditary; Hereditary Cancer Syndrome; Tumor predisposition. Identifiers: Orphanet 140162, MedGen C0027672, MeSH D009386, MONDO:0015356.

Allele frequency attached by ClinVar (database versions not stated): TOPMed 0.00001.
gnomAD v4.1: 2 of 1,613,582 alleles (0.00012%); highest among the groups gnomAD compares: African/African-American, 0.0013%; no homozygotes.

Submissions (5):

Myriad Genetics, Inc.
Classification: Likely benign for Breast-ovarian cancer, familial, susceptibility to, 2. Last evaluated: 2026-04-07. Review status: criteria provided, single submitter. Criteria: Myriad Autosomal Dominant, Autosomal Recessive and X-Linked Classification Criteria (2023). Collection method: clinical testing. Allele origin: unknown.
Comment: This variant is considered likely benign. This variant is strongly associated with less severe personal and family histories of cancer, typical for individuals without pathogenic variants in this gene [PMID: 25085752].

Labcorp Genetics (formerly Invitae), Labcorp
Classification: Uncertain significance for Hereditary breast ovarian cancer syndrome. Last evaluated: 2025-12-16. Review status: criteria provided, single submitter. Criteria: Invitae Variant Classification Sherloc (09022015). Collection method: clinical testing. Allele origin: germline.
Comment: This sequence change replaces arginine, which is basic and polar, with serine, which is neutral and polar, at codon 2034 of the BRCA2 protein (p.Arg2034Ser). This variant is not present in population databases (gnomAD no frequency). This variant has not been reported in the literature in individuals affected with BRCA2-related conditions. ClinVar contains an entry for this variant (Variation ID: 479312). Invitae Evidence Modeling of protein sequence and biophysical properties (such as structural, functional, and spatial information, amino acid conservation, physicochemical variation, residue mobility, and thermodynamic stability) indicates that this missense variant is not expected to disrupt BRCA2 protein function with a negative predictive value of 95%. In summary, the available evidence is currently insufficient to determine the role of this variant in disease. Therefore, it has been classified as a Variant of Uncertain Significance.

University of Washington Department of Laboratory Medicine, University of Washington
Classification: Likely benign for Hereditary cancer-predisposing syndrome. Last evaluated: 2023-03-23. Review status: criteria provided, single submitter. Criteria: Dines et al. (Genet Med. 2020). Collection method: curation. Allele origin: germline.
Comment: Missense variant in a coldspot region where missense variants are very unlikely to be pathogenic (PMID:31911673).

BRCA2 exon 11 coldspot. Reclassification based on statistical prior probability.

Ambry Genetics
Classification: Uncertain significance for Hereditary cancer-predisposing syndrome. Last evaluated: 2022-10-05. Review status: criteria provided, single submitter. Criteria: Ambry Variant Classification Scheme 2023. Collection method: clinical testing. Allele origin: germline.
Comment: The p.R2034S variant (also known as c.6100C>A), located in coding exon 10 of the BRCA2 gene, results from a C to A substitution at nucleotide position 6100. The arginine at codon 2034 is replaced by serine, an amino acid with dissimilar properties. This amino acid position is poorly conserved in available vertebrate species. In addition, this alteration is predicted to be tolerated by in silico analysis. Since supporting evidence is limited at this time, the clinical significance of this alteration remains unclear.

Quest Diagnostics Nichols Institute San Juan Capistrano
Classification: Uncertain significance. Last evaluated: 2020-10-02. Review status: criteria provided, single submitter. Criteria: Quest Diagnostics criteria. Collection method: clinical testing. Allele origin: unknown.

Literature cited by the submitters: PubMed 25085752 (cited by Myriad Genetics, Inc.).

NM_000059.4(BRCA2):c.6100C>A (p.Arg2034Ser)

Gene: BRCA2 (BRCA2 DNA repair associated; plus strand). Cytogenetic location: 13q13.1.
Variant type: single nucleotide variant.
Coding change: c.6100C>A on transcript NM_000059.4 (MANE Select); coding-DNA position 6100, C replaced by A.
Protein change: p.Arg2034Ser; replaces arginine 2034 with serine.
Molecular consequence: missense variant.
Genome position (GRCh38, 1-based): chr13:32,340,455, C>A. VCF-style: chr13-32340455-C-A. GRCh37 (hg19) VCF-style: chr13-32914592-C-A.
Other names: short protein forms R2034S.
Identifiers: ClinVar variation 479312 (VCV000479312.18), dbSNP rs1799954, ClinGen allele CA387788089.
Genomic context (GRCh38, chr13:32,340,455, plus strand): 5'-GTATTGTTTAAAAGTAACGAACATTCAGACCAGCTCACAAGAGAAGAAAATACTGCTATA[C>A]GTACTCCAGAACATTTAATATCCCAAAAAGGCTTTTCATATAATGTGGTAAATTCATCTG-3'
Protein context (NP_000050.3, residues 2024-2044): QLTREENTAI[Arg2034Ser]TPEHLISQKG